The following is an entry in ClinVar:

ClinVar aggregate classification (germline): Benign. Review status: criteria provided, single submitter (1 of 4 stars). 2 submissions from 2 submitters: Benign (1). 1 of the submissions does not count toward it. Last evaluated 2019-12-31.

Conditions:
DDX53-related disorder. Also called: DDX53-related condition.

Allele frequency attached by ClinVar (database versions not stated): 1000 Genomes Project 0.00344; ExAC 0.00135; 1000 Genomes Project 30x 0.00354; ESP Exome Variant Server 0.00464; gnomAD 0.00355 and 0.00386; gnomAD exomes 0.00102; TOPMed 0.00409.

Submissions (2):

Labcorp Genetics (formerly Invitae), Labcorp
Classification: Benign. Last evaluated: 2019-12-31. Review status: criteria provided, single submitter. Criteria: Invitae Variant Classification Sherloc (09022015). Collection method: clinical testing. Allele origin: germline.

PreventionGenetics, part of Exact Sciences
Classification: Benign for DDX53-related condition. Last evaluated: 2019-11-25. Review status: no assertion criteria provided. Collection method: clinical testing. Allele origin: germline. Not counted in ClinVar's aggregate classification.
Comment: This variant is classified as benign based on ACMG/AMP sequence variant interpretation guidelines (Richards et al. 2015 PMID: 25741868, with internal and published modifications).

NM_182699.4(DDX53):c.113A>G (p.His38Arg)

Genes: PTCHD1-AS (PTCHD1 antisense RNA (head to head); minus strand), DDX53 (DEAD-box helicase 53; plus strand). Cytogenetic location: Xp22.11.
Variant type: single nucleotide variant.
Coding change: c.113A>G on transcript NM_182699.4 (MANE Select); coding-DNA position 113, A replaced by G.
Protein change: p.His38Arg; replaces histidine 38 with arginine.
Molecular consequence: missense variant.
Genome position (GRCh38, 1-based): chrX:23,000,170, A>G. VCF-style: chrX-23000170-A-G. GRCh37 (hg19) VCF-style: chrX-23018287-A-G.
Other names: short protein forms H38R.
Identifiers: ClinVar variation 724376 (VCV000724376.6), dbSNP rs139415880, ClinGen allele CA10368704.
Genomic context (GRCh38, chrX:23,000,170, plus strand): 5'-TTGGGGCCAGCTGGGATGTCAGGGGCAGCAGAGGCAGTGGCTGGAGTGGCCCCTTCGGCC[A>G]TCAGGGACCGAGAGCAGCAGGCTCCCGTGAACCACCACTCTGCTTTAAAATAAAGAACAA-3'
Protein context (NP_874358.2, residues 28-48): RGSGWSGPFG[His38Arg]QGPRAAGSRE